The following is an entry in ClinVar:

NM_001166108.2(PALLD):c.2659G>A (p.Ala887Thr)

Genes: CBR4 (carbonyl reductase 4; minus strand), PALLD (palladin, cytoskeletal associated protein; plus strand). Cytogenetic location: 4q32.3.
Variant type: single nucleotide variant.
Coding change: c.2659G>A on transcript NM_001166108.2 (MANE Select); coding-DNA position 2659, G replaced by A.
Protein change: p.Ala887Thr; replaces alanine 887 with threonine.
Molecular consequence: missense variant.
Genome position (GRCh38, 1-based): chr4:168,913,963, G>A. VCF-style: chr4-168913963-G-A. GRCh37 (hg19) VCF-style: chr4-169835114-G-A.
Other names: c.1462G>A, p.Ala488Thr (NM_001166109.2); c.1147G>A, p.Ala383Thr (NM_001166110.2); c.487G>A, p.Ala163Thr (NM_001367567.1, NM_001367569.1); c.538G>A, p.Ala180Thr (NM_001367568.1, NM_001367570.1); c.2608G>A, p.Ala870Thr (NM_016081.4); short protein forms A163T, A870T, A887T, A180T, A488T, A383T.
Identifiers: ClinVar variation 1793754 (VCV001793754.2), dbSNP rs2534042836, ClinGen allele CA358705010.

ClinVar aggregate classification (germline): Uncertain significance (1 of 4 stars; one submission).

Allele frequency attached by ClinVar (database versions not stated): gnomAD exomes below 0.00001.
gnomAD v4.1: 3 of 1,613,400 alleles (0.00019%); highest among the groups gnomAD compares: Non-Finnish European, 0.00025%; no homozygotes.

Submission:

Ambry Genetics
Classification: Uncertain significance. Last evaluated: 2022-02-28. Review status: criteria provided, single submitter. Criteria: Ambry Variant Classification Scheme 2023. Collection method: clinical testing. Allele origin: germline.
Comment: The p.A870T variant (also known as c.2608G>A), located in coding exon 14 of the PALLD gene, results from a G to A substitution at nucleotide position 2608. The alanine at codon 870 is replaced by threonine, an amino acid with similar properties. This amino acid position is conserved. In addition, the in silico prediction for this alteration is inconclusive. Since supporting evidence is limited at this time, the clinical significance of this alteration remains unclear.